The following is an entry in ClinVar:

NM_000097.7(CPOX):c.1172+14A>G

Gene: CPOX (coproporphyrinogen oxidase; minus strand). Cytogenetic location: 3q11.2.
Variant type: single nucleotide variant.
Coding change: c.1172+14A>G on transcript NM_000097.7 (MANE Select); 14 bases into the intron after coding-DNA position 1172, A replaced by G.
Molecular consequence: intron variant.
Genome position (GRCh38, 1-based): chr3:98,585,427, T>C on the plus strand (A>G on the coding strand, the complement: CPOX is on the minus strand). VCF-style: chr3-98585427-T-C. GRCh37 (hg19) VCF-style: chr3-98304271-T-C.
Other names: p.?; c.1172+14A>G (LRG_1077t1).
Identifiers: ClinVar variation 346974 (VCV000346974.14), dbSNP rs16839985, ClinGen allele CA2511505.

ClinVar aggregate classification (germline): Benign. Review status: criteria provided, multiple submitters, no conflicts (2 of 4 stars). 4 submissions from 4 submitters: Benign (4). Last evaluated 2026-02-01.

Conditions:
Hereditary coproporphyria (HCP). Also called: Hereditary coproporphyria porphyria; Porphyria hepatica coproporphyria; Porphyria hepatica II; CPRO deficiency; COPROPORPHYRINOGEN OXIDASE DEFICIENCY; CPO DEFICIENCY. Identifiers: Orphanet 79273, MedGen C0162531, MONDO:0007369, OMIM 121300.

Allele frequency attached by ClinVar (database versions not stated): gnomAD exomes 0.00076 and 0.00219; ExAC 0.00272; ESP Exome Variant Server 0.00815; gnomAD 0.00819 and 0.00862; TOPMed 0.00899; 1000 Genomes Project 0.01058; 1000 Genomes Project 30x 0.01140.
gnomAD v4.1: 2,399 of 1,611,314 alleles (0.15%); highest among the groups gnomAD compares: African/African-American, 2.8%; 36 homozygotes.

Submissions (4):

Labcorp Genetics (formerly Invitae), Labcorp
Classification: Benign. Last evaluated: 2026-02-01. Review status: criteria provided, single submitter. Criteria: Invitae Variant Classification Sherloc (09022015). Collection method: clinical testing. Allele origin: germline.

Mayo Clinic Laboratories, Mayo Clinic
Classification: Benign. Last evaluated: 2022-08-01. Review status: criteria provided, single submitter. Criteria: ACMG Guidelines, 2015. Collection method: clinical testing. Allele origin: germline. Observed: 3 variant alleles.
Comment: BA1, BP4, BP7

Illumina Laboratory Services, Illumina
Classification: Benign for Hereditary coproporphyria. Last evaluated: 2018-01-13. Review status: criteria provided, single submitter. Criteria: ICSL Variant Classification Criteria 13 December 2019. Collection method: clinical testing. Allele origin: germline.
Comment: This variant was observed in the ICSL laboratory as part of a predisposition screen in an ostensibly healthy population. It had not been previously curated by ICSL or reported in the Human Gene Mutation Database (HGMD: prior to June 1st, 2018), and was therefore a candidate for classification through an automated scoring system. Utilizing variant allele frequency, disease prevalence and penetrance estimates, and inheritance mode, an automated score was calculated to assess if this variant is too frequent to cause the disease. Based on the score and internal cut-off values, a variant classified as benign is not then subjected to further curation. The score for this variant resulted in a classification of benign for this disease.

Breakthrough Genomics
Classification: Benign. Review status: criteria provided, single submitter. Criteria: ACMG Guidelines, 2015. Collection method: not provided. Allele origin: germline. Inheritance: Autosomal recessive inheritance. Affected: yes.